The following is an entry in ClinVar:

ClinVar aggregate classification (germline): Likely benign (1 of 4 stars; one submission).

Allele frequency attached by ClinVar (database versions not stated): 1000 Genomes Project 0.00120; 1000 Genomes Project 30x 0.00125; TOPMed 0.00409; gnomAD 0.00419; ExAC 0.00431; ESP Exome Variant Server 0.00461; gnomAD exomes 0.00528.
gnomAD v4.1: 8,330 of 1,614,060 alleles (0.52%); highest among the groups gnomAD compares: Non-Finnish European, 0.61%; 21 homozygotes.

Submission:

CeGaT Center for Human Genetics Tuebingen
Classification: Likely benign. Last evaluated: 2023-01-01. Review status: criteria provided, single submitter. Criteria: CeGaT Center For Human Genetics Tuebingen Variant Classification Criteria Version 2. Collection method: clinical testing. Allele origin: germline. Affected: yes. Observed: 1 variant allele.
Comment: SLC44A2: BS2

NM_020428.4(SLC44A2):c.457C>T (p.Leu153Phe)

Gene: SLC44A2 (solute carrier family 44 member 2 (CTL2 blood group); plus strand). Cytogenetic location: 19p13.2.
Variant type: single nucleotide variant.
Coding change: c.457C>T on transcript NM_020428.4 (MANE Select); coding-DNA position 457, C replaced by T.
Protein change: p.Leu153Phe; replaces leucine 153 with phenylalanine.
Molecular consequence: missense variant.
Genome position (GRCh38, 1-based): chr19:10,631,490, C>T. VCF-style: chr19-10631490-C-T. GRCh37 (hg19) VCF-style: chr19-10742166-C-T.
Other names: c.451C>T, p.Leu151Phe (NM_001145056.2); c.457C>T, p.Leu153Phe (NM_001363611.2); short protein forms L151F, L153F.
Identifiers: ClinVar variation 2649298 (VCV002649298.24), dbSNP rs147820753, ClinGen allele CA9198351.